The following is an entry in ClinVar:

ClinVar aggregate classification (germline): Conflicting classifications of pathogenicity. Review status: criteria provided, conflicting classifications (1 of 4 stars). 4 submissions from 4 submitters: Uncertain significance (3); Likely benign (1). Last evaluated 2025-12-15.

Conditions:
Inborn genetic diseases. Identifiers: MedGen C0950123, MeSH D030342.
Brachyolmia-amelogenesis imperfecta syndrome. Also called: Tooth agenesis, selective, 6; Dental anomalies and short stature; PLATYSPONDYLY WITH AMELOGENESIS IMPERFECTA. Identifiers: Orphanet 2899, MedGen C1832594, MONDO:0011018, OMIM 601216. Disease mechanism: loss of function.
LTBP3-related disorder. Also called: LTBP3-related condition.

Allele frequency attached by ClinVar (database versions not stated): ExAC 0.00002; gnomAD exomes 0.00003 and 0.00006; TOPMed 0.00004; gnomAD 0.00005 and 0.00006; ESP Exome Variant Server 0.00008.
gnomAD v4.1: 100 of 1,602,080 alleles (0.0062%); highest among the groups gnomAD compares: Non-Finnish European, 0.0081%; no homozygotes.

Submissions (4):

Labcorp Genetics (formerly Invitae), Labcorp
Classification: Uncertain significance for Brachyolmia-amelogenesis imperfecta syndrome. Last evaluated: 2025-12-15. Review status: criteria provided, single submitter. Criteria: Invitae Variant Classification Sherloc (09022015). Collection method: clinical testing. Allele origin: germline.
Comment: This sequence change replaces serine, which is neutral and polar, with asparagine, which is neutral and polar, at codon 752 of the LTBP3 protein (p.Ser752Asn). This variant is present in population databases (rs369066686, gnomAD 0.007%). This variant has not been reported in the literature in individuals affected with LTBP3-related conditions. ClinVar contains an entry for this variant (Variation ID: 1390085). An algorithm developed to predict the effect of missense changes on protein structure and function outputs the following: PolyPhen-2: "Benign". The asparagine amino acid residue is found in multiple mammalian species, which suggests that this missense change does not adversely affect protein function. In summary, the available evidence is currently insufficient to determine the role of this variant in disease. Therefore, it has been classified as a Variant of Uncertain Significance.

PreventionGenetics, part of Exact Sciences
Classification: Uncertain significance for LTBP3-related condition. Last evaluated: 2025-08-04. Review status: criteria provided, single submitter. Criteria: ACMG Guidelines, 2015. Collection method: clinical testing. Allele origin: germline.
Comment: The LTBP3 c.2255G>A variant is predicted to result in the amino acid substitution p.Ser752Asn. To our knowledge, this variant has not been reported in the literature. This variant is reported in 0.0059% of alleles in individuals of European (Non-Finnish) descent in gnomAD. At this time, the clinical significance of this variant is uncertain due to the absence of conclusive functional and genetic evidence.

Blueprint Genetics
Classification: Likely benign. Last evaluated: 2024-11-01. Review status: criteria provided, single submitter. Criteria: ACMG Guidelines, 2015. Collection method: clinical testing. Allele origin: germline.

Ambry Genetics
Classification: Uncertain significance for Inborn genetic diseases. Last evaluated: 2022-06-24. Review status: criteria provided, single submitter. Criteria: Ambry Variant Classification Scheme 2023. Collection method: clinical testing. Allele origin: germline.

NM_001130144.3(LTBP3):c.2255G>A (p.Ser752Asn)

Genes: LTBP3 (latent transforming growth factor beta binding protein 3; minus strand), LOC130006029 (ATAC-STARR-seq lymphoblastoid silent region 3532; plus strand). Cytogenetic location: 11q13.1.
Variant type: single nucleotide variant.
Coding change: c.2255G>A on transcript NM_001130144.3 (MANE Select); coding-DNA position 2255, G replaced by A.
Protein change: p.Ser752Asn; replaces serine 752 with asparagine.
Molecular consequence: missense variant.
Genome position (GRCh38, 1-based): chr11:65,546,540, C>T on the plus strand (G>A on the coding strand, the complement: LTBP3 is on the minus strand). VCF-style: chr11-65546540-C-T. GRCh37 (hg19) VCF-style: chr11-65314011-C-T.
Other names: c.1904G>A, p.Ser635Asn (NM_001164266.1); c.2255G>A, p.Ser752Asn (NM_021070.4); short protein forms S752N, S635N.
Identifiers: ClinVar variation 1390085 (VCV001390085.12), dbSNP rs369066686, ClinGen allele CA6100668.
Genomic context (GRCh38, chr11:65,546,540, plus strand): 5'-TGGGCACAGGTGCAGCGGAAGGAGCCCGGGAGGTTCTCGCACCAGCCAGGCGAGCAGGGG[C>T]TGCCCTCGGCGCACTCGTTCACGTCTGCGGCGGAAAGACCTAGCCTCGGACTCTGCCCCA-3'
Protein context (NP_001123616.1, residues 742-762): CRDVNECAEG[Ser752Asn]PCSPGWCENL